The following is an entry in ClinVar:

ClinVar aggregate classification (germline): Conflicting classifications of pathogenicity. Review status: criteria provided, conflicting classifications (1 of 4 stars). 2 submissions from 2 submitters: Uncertain significance (1); Likely benign (1). Last evaluated 2025-12-22.

Conditions:
Inborn genetic diseases. Identifiers: MedGen C0950123, MeSH D030342.

Allele frequency attached by ClinVar (database versions not stated): TOPMed below 0.00001; gnomAD 0.00001; gnomAD exomes 0.00001 and 0.00002; ExAC 0.00002.

Submissions (2):

Ambry Genetics
Classification: Likely benign for Inborn genetic diseases. Last evaluated: 2025-12-22. Review status: criteria provided, single submitter. Criteria: Ambry Variant Classification Scheme 2023. Collection method: clinical testing. Allele origin: germline.

Labcorp Genetics (formerly Invitae), Labcorp
Classification: Uncertain significance. Last evaluated: 2022-03-09. Review status: criteria provided, single submitter. Criteria: Invitae Variant Classification Sherloc (09022015). Collection method: clinical testing. Allele origin: germline.
Comment: This sequence change replaces alanine, which is neutral and non-polar, with threonine, which is neutral and polar, at codon 206 of the ADAMTSL4 protein (p.Ala206Thr). This variant is present in population databases (rs752465710, gnomAD 0.02%). This variant has not been reported in the literature in individuals affected with ADAMTSL4-related conditions. Algorithms developed to predict the effect of missense changes on protein structure and function output the following: SIFT: "Tolerated"; PolyPhen-2: "Benign"; Align-GVGD: "Class C0". The threonine amino acid residue is found in multiple mammalian species, which suggests that this missense change does not adversely affect protein function. In summary, the available evidence is currently insufficient to determine the role of this variant in disease. Therefore, it has been classified as a Variant of Uncertain Significance.

NM_019032.6(ADAMTSL4):c.616G>A (p.Ala206Thr)

Genes: ADAMTSL4 (ADAMTS like 4; plus strand), ADAMTSL4-AS2 (ADAMTSL4 antisense RNA 2; minus strand). Cytogenetic location: 1q21.2.
Variant type: single nucleotide variant.
Coding change: c.616G>A on transcript NM_019032.6 (MANE Select); coding-DNA position 616, G replaced by A.
Protein change: p.Ala206Thr; replaces alanine 206 with threonine.
Molecular consequence: missense variant.
Genome position (GRCh38, 1-based): chr1:150,553,607, G>A. VCF-style: chr1-150553607-G-A. GRCh37 (hg19) VCF-style: chr1-150526083-G-A.
Other names: c.616G>A, p.Ala206Thr (NM_001288607.2, NM_001288608.2, NM_001378596.1 and 1 more transcripts); c.616G>A (NM_019032.4); short protein forms A206T.
Identifiers: ClinVar variation 1376076 (VCV001376076.4), dbSNP rs752465710, ClinGen allele CA1078002.